The following is an entry in ClinVar:

NM_001018115.3(FANCD2):c.2860-6T>A

Genes: FANCD2 (FA complementation group D2; plus strand), LOC107303338 (3p25 FANCD2 Alu-mediated recombination region; plus strand). Cytogenetic location: 3p25.3.
Variant type: single nucleotide variant.
Coding change: c.2860-6T>A on transcript NM_001018115.3 (MANE Select); 6 bases into the intron before coding-DNA position 2860, T replaced by A.
Molecular consequence: intron variant.
Genome position (GRCh38, 1-based): chr3:10,078,075, T>A. VCF-style: chr3-10078075-T-A. GRCh37 (hg19) VCF-style: chr3-10119759-T-A.
Other names: c.2860-6T>A (NM_001319984.2, NM_033084.6, NM_001374254.1); c.2749-6T>A (NM_001374253.1).
Identifiers: ClinVar variation 1380708 (VCV001380708.6), dbSNP rs772531991, ClinGen allele CA2250218.

ClinVar aggregate classification (germline): Uncertain significance (1 of 4 stars; one submission).

Conditions:
Fanconi anemia (FA). Also called: Fanconi's anemia. Identifiers: Orphanet 84, MedGen C0015625, MeSH D005199, MONDO:0019391.

Allele frequency attached by ClinVar (database versions not stated): gnomAD exomes below 0.00001 and 0.00001; TOPMed below 0.00001; gnomAD 0.00001; ExAC 0.00002.
gnomAD v4.1: 4 of 1,582,558 alleles (0.00025%); highest among the groups gnomAD compares: Admixed American, 0.005%; no homozygotes.

Submission:

Labcorp Genetics (formerly Invitae), Labcorp
Classification: Uncertain significance for Fanconi anemia. Last evaluated: 2023-06-09. Review status: criteria provided, single submitter. Criteria: Invitae Variant Classification Sherloc (09022015). Collection method: clinical testing. Allele origin: germline.
Comment: This variant has not been reported in the literature in individuals affected with FANCD2-related conditions. This variant is present in population databases (rs772531991, gnomAD 0.006%). This sequence change falls in intron 29 of the FANCD2 gene. It does not directly change the encoded amino acid sequence of the FANCD2 protein. ClinVar contains an entry for this variant (Variation ID: 1380708). In summary, the available evidence is currently insufficient to determine the role of this variant in disease. Therefore, it has been classified as a Variant of Uncertain Significance. Algorithms developed to predict the effect of sequence changes on RNA splicing suggest that this variant may create or strengthen a splice site.